The following is an entry in ClinVar:

NM_001364905.1(LRBA):c.5436T>G (p.Arg1812=)

Gene: LRBA (LPS responsive beige-like anchor protein; minus strand). Cytogenetic location: 4q31.3.
Variant type: single nucleotide variant.
Coding change: c.5436T>G on transcript NM_001364905.1 (MANE Select); coding-DNA position 5436, T replaced by G.
Protein change: p.Arg1812=; no amino-acid change (arginine 1812 retained).
Molecular consequence: synonymous variant.
Genome position (GRCh38, 1-based): chr4:150,806,353, A>C on the plus strand (T>G on the coding strand, the complement: LRBA is on the minus strand). VCF-style: chr4-150806353-A-C. GRCh37 (hg19) VCF-style: chr4-151727505-A-C.
Other names: c.5436T>G, p.Arg1812= (NM_001199282.3, NM_001367550.1, NM_006726.5).
Identifiers: ClinVar variation 3778029 (VCV003778029.7).

ClinVar aggregate classification (germline): Likely benign (1 of 4 stars; one submission).

Submission:

CeGaT Center for Human Genetics Tuebingen
Classification: Likely benign. Last evaluated: 2025-03-01. Review status: criteria provided, single submitter. Criteria: CeGaT Center For Human Genetics Tuebingen Variant Classification Criteria Version 2. Collection method: clinical testing. Allele origin: germline. Affected: yes. Observed: 1 variant allele.
Comment: LRBA: BP4, BP7